The following is an entry in ClinVar:

ClinVar aggregate classification (germline): Conflicting classifications of pathogenicity. Review status: criteria provided, conflicting classifications (1 of 4 stars). 3 submissions from 3 submitters: Uncertain significance (2); Likely benign (1). Last evaluated 2024-02-28.

Conditions:
Cowden syndrome 6 (CWS6). Identifiers: Orphanet 201, MedGen C3554519, MONDO:0014048, OMIM 615109.
Proteus syndrome. Also called: Hemihypertrophy and macrocephaly; Partial gigantism of hands and feet, nevi, hemihypertrophy, macrocephaly; ELATTOPROTEUS SYNDROME; Macrocephaly mesodermal hamartoma spectrum; GIGANTISM, PARTIAL, OF HANDS AND FEET, NEVI, HEMIHYPERTROPHY, AND MACROCEPHALY; PROTEUS SYNDROME, SOMATIC. Identifiers: Orphanet 744, MedGen C0085261, MONDO:0008318, OMIM 176920. Disease mechanism: loss of function, gain of function.
Familial cancer of breast. Also called: BREAST CANCER, FAMILIAL; hereditary breast carcinoma; Hereditary breast cancer. Identifiers: Orphanet 227535, MedGen C0346153, MONDO:0016419, OMIM 114480. Disease mechanism: loss of function.
Ovarian cancer. Also called: OVARIAN CANCER, SOMATIC. Identifiers: Orphanet 213500, MedGen C1140680, MONDO:0008170, OMIM 167000.
Colorectal cancer. Also called: Colorectal cancer, somatic; Malignant Colorectal Neoplasm. Identifiers: MedGen C0346629, MONDO:0005575, OMIM 114500.

Allele frequency attached by ClinVar (database versions not stated): gnomAD exomes 0.00001; TOPMed 0.00002.
gnomAD v4.1: 18 of 1,614,124 alleles (0.0011%); highest among the groups gnomAD compares: Middle Eastern, 0.016%; no homozygotes.

Submissions (3):

Blueprint Genetics
Classification: Likely benign. Last evaluated: 2024-02-28. Review status: criteria provided, single submitter. Criteria: ACMG Guidelines, 2015. Collection method: clinical testing. Allele origin: germline.

Fulgent Genetics
Classification: Uncertain significance for Familial cancer of breast; Colorectal cancer; Ovarian cancer; Proteus syndrome; Cowden syndrome 6. Last evaluated: 2024-02-22. Review status: criteria provided, single submitter. Criteria: ACMG Guidelines, 2015. Collection method: clinical testing. Allele origin: germline.

Labcorp Genetics (formerly Invitae), Labcorp
Classification: Uncertain significance for Cowden syndrome 6. Last evaluated: 2022-04-24. Review status: criteria provided, single submitter. Criteria: Invitae Variant Classification Sherloc (09022015). Collection method: clinical testing. Allele origin: germline.
Comment: In summary, the available evidence is currently insufficient to determine the role of this variant in disease. Therefore, it has been classified as a Variant of Uncertain Significance. Variants that disrupt the consensus splice site are a relatively common cause of aberrant splicing (PMID: 17576681, 9536098). Algorithms developed to predict the effect of sequence changes on RNA splicing suggest that this variant is not likely to affect RNA splicing. This variant has not been reported in the literature in individuals affected with AKT1-related conditions. This variant is present in population databases (no rsID available, gnomAD 0.006%). This sequence change falls in intron 10 of the AKT1 gene. It does not directly change the encoded amino acid sequence of the AKT1 protein. It affects a nucleotide within the consensus splice site.

Literature cited by the submitters: PubMed 17576681 (cited by Labcorp Genetics (formerly Invitae), Labcorp); PubMed 9536098 (cited by Labcorp Genetics (formerly Invitae), Labcorp).

NM_001382430.1(AKT1):c.957+6C>T

Gene: AKT1 (AKT serine/threonine kinase 1; minus strand). Cytogenetic location: 14q32.33.
Variant type: single nucleotide variant.
Coding change: c.957+6C>T on transcript NM_001382430.1 (MANE Select); 6 bases into the intron after coding-DNA position 957, C replaced by T.
Molecular consequence: intron variant.
Genome position (GRCh38, 1-based): chr14:104,773,245, G>A on the plus strand (C>T on the coding strand, the complement: AKT1 is on the minus strand). VCF-style: chr14-104773245-G-A. GRCh37 (hg19) VCF-style: chr14-105239582-G-A.
Other names: c.957+6C>T (NM_001014431.2, NM_001014432.2, NM_001382433.1 and 3 more transcripts).
Identifiers: ClinVar variation 2416171 (VCV002416171.8), dbSNP rs1160152822, ClinGen allele CA616585141.